The following is an entry in ClinVar:

ClinVar aggregate classification (germline): Benign/Likely benign. Review status: criteria provided, multiple submitters, no conflicts (2 of 4 stars). 3 submissions from 3 submitters: Benign (1); Likely benign (2). Last evaluated 2026-01-24.

Conditions:
Primary ciliary dyskinesia 33. Also called: CILIARY DYSKINESIA, PRIMARY, 33, WITHOUT SITUS INVERSUS. Identifiers: Orphanet 244, MedGen C4225230, MONDO:0014750, OMIM 616726.

Allele frequency attached by ClinVar (database versions not stated): gnomAD exomes 0.00092; ExAC 0.00145; 1000 Genomes Project 30x 0.00281; 1000 Genomes Project 0.00300; gnomAD 0.00349 and 0.00380; TOPMed 0.00390; ESP Exome Variant Server 0.00431.
gnomAD v4.1: 1,017 of 1,611,558 alleles (0.063%); highest among the groups gnomAD compares: African/African-American, 1.2%; 8 homozygotes.

Submissions (3):

Labcorp Genetics (formerly Invitae), Labcorp
Classification: Benign for Primary ciliary dyskinesia 33. Last evaluated: 2026-01-24. Review status: criteria provided, single submitter. Criteria: Invitae Variant Classification Sherloc (09022015). Collection method: clinical testing. Allele origin: germline.

Blueprint Genetics
Classification: Likely benign. Last evaluated: 2024-11-12. Review status: criteria provided, single submitter. Criteria: ACMG Guidelines, 2015. Collection method: clinical testing. Allele origin: germline.

GeneDx
Classification: Likely benign. Last evaluated: 2024-01-30. Review status: criteria provided, single submitter. Criteria: GeneDx Variant Classification Process June 2021. Collection method: clinical testing. Allele origin: germline. Affected: yes.
Comment: See Variant Classification Assertion Criteria.

NM_001481.3(DRC4):c.1106G>A (p.Arg369His)

Gene: DRC4 (dynein regulatory complex subunit 4; plus strand). Cytogenetic location: 16q24.3.
Variant type: single nucleotide variant.
Coding change: c.1106G>A on transcript NM_001481.3 (MANE Select); coding-DNA position 1106, G replaced by A.
Protein change: p.Arg369His; replaces arginine 369 with histidine.
Molecular consequence: missense variant. On other transcripts: non-coding transcript variant (1).
Genome position (GRCh38, 1-based): chr16:90,040,394, G>A. VCF-style: chr16-90040394-G-A. GRCh37 (hg19) VCF-style: chr16-90106802-G-A.
Other names: c.857G>A, p.Arg286His (NM_001286205.2); c.530G>A, p.Arg177His (NM_001286208.2); c.1031G>A, p.Arg344His (NM_001286209.2); short protein forms R344H, R369H, R286H, R177H.
Identifiers: ClinVar variation 475555 (VCV000475555.15), dbSNP rs61734730, ClinGen allele CA8258108.